The following is an entry in ClinVar:

ClinVar aggregate classification (germline): Uncertain significance (1 of 4 stars; one submission).

Conditions:
NPHP1-related disorder. Also called: NPHP1-related condition; NPHP1-related disorders.

gnomAD v4.1: 1 of 1,613,508 alleles (0.000062%); highest among the groups gnomAD compares: South Asian, 0.0011%; no homozygotes.

Submission:

PreventionGenetics, part of Exact Sciences
Classification: Uncertain significance for NPHP1-related condition. Last evaluated: 2025-02-18. Review status: criteria provided, single submitter. Criteria: ACMG Guidelines, 2015. Collection method: clinical testing. Allele origin: germline.
Comment: The NPHP1 c.707A>G variant is predicted to result in the amino acid substitution p.Asp236Gly. To our knowledge, this variant has not been reported in the literature or in a large population database (gnomAD), indicating this variant is rare. At this time, the clinical significance of this variant is uncertain due to the absence of conclusive functional and genetic evidence.

NM_001128178.3(NPHP1):c.707A>G (p.Asp236Gly)

Gene: NPHP1 (nephrocystin 1; minus strand). Cytogenetic location: 2q13.
Variant type: single nucleotide variant.
Coding change: c.707A>G on transcript NM_001128178.3 (MANE Select); coding-DNA position 707, A replaced by G.
Protein change: p.Asp236Gly; replaces aspartic acid 236 with glycine.
Molecular consequence: missense variant.
Genome position (GRCh38, 1-based): chr2:110,165,073, T>C on the plus strand (A>G on the coding strand, the complement: NPHP1 is on the minus strand). VCF-style: chr2-110165073-T-C. GRCh37 (hg19) VCF-style: chr2-110922650-T-C.
Other names: c.707A>G, p.Asp236Gly (NM_000272.5, NM_001374256.1, NM_001374257.1 and 1 more transcripts); c.521A>G, p.Asp174Gly (NM_001128179.3); short protein forms D174G, D236G.
Identifiers: ClinVar variation 4982115 (VCV004982115.1).
Genomic context (GRCh38, chr2:110,165,073, plus strand): 5'-TTCCTAAACCTACTTTGATATCCTTTCCCACTTTTGTACCTTTGCTTAACTTCTGCTCCA[T>C]CTGCTGTTTCATCCACCGCCTCTACATCTTCTTCACTGCCCTCTTCACTTGACTCTTGGC-3'
Protein context (NP_001121650.1, residues 226-246): EDVEAVDETA[Asp236Gly]GAEVKQRTDP